The following is an entry in ClinVar:

NM_006269.2(RP1):c.5360A>C (p.His1787Pro)

Genes: RP1 (RP1 axonemal microtubule associated; plus strand), LOC126860392 (CDK7 strongly-dependent group 2 enhancer GRCh37_chr8:55541319-55542518; plus strand). Cytogenetic location: 8q12.1.
Variant type: single nucleotide variant.
Coding change: c.5360A>C on transcript NM_006269.2 (MANE Select); coding-DNA position 5360, A replaced by C.
Protein change: p.His1787Pro; replaces histidine 1787 with proline.
Molecular consequence: missense variant. On other transcripts: intron variant (1).
Genome position (GRCh38, 1-based): chr8:54,629,242, A>C. VCF-style: chr8-54629242-A-C. GRCh37 (hg19) VCF-style: chr8-55541802-A-C.
Other names: c.787+6954A>C (NM_001375654.1); c.5360A>C (NM_006269.1); short protein forms H1787P.
Identifiers: ClinVar variation 2975979 (VCV002975979.4), dbSNP rs1258247614, ClinGen allele CA370985911.

ClinVar aggregate classification (germline): Uncertain significance. Review status: criteria provided, multiple submitters, no conflicts (2 of 4 stars). 2 submissions from 2 submitters: Uncertain significance (2). Last evaluated 2024-07-05.

Conditions:
Inborn genetic diseases. Identifiers: MedGen C0950123, MeSH D030342.

Allele frequency attached by ClinVar (database versions not stated): TOPMed 0.00001.
gnomAD v4.1: 2 of 1,614,020 alleles (0.00012%); highest among the groups gnomAD compares: Admixed American, 0.0033%; no homozygotes.

Submissions (2):

Ambry Genetics
Classification: Uncertain significance for Inborn genetic diseases. Last evaluated: 2024-07-05. Review status: criteria provided, single submitter. Criteria: Ambry Variant Classification Scheme 2023. Collection method: clinical testing. Allele origin: germline.

Labcorp Genetics (formerly Invitae), Labcorp
Classification: Uncertain significance. Last evaluated: 2023-10-30. Review status: criteria provided, single submitter. Criteria: Invitae Variant Classification Sherloc (09022015). Collection method: clinical testing. Allele origin: germline.
Comment: This sequence change replaces histidine, which is basic and polar, with proline, which is neutral and non-polar, at codon 1787 of the RP1 protein (p.His1787Pro). This variant is present in population databases (no rsID available, gnomAD 0.003%). This variant has not been reported in the literature in individuals affected with RP1-related conditions. An algorithm developed to predict the effect of missense changes on protein structure and function (PolyPhen-2) suggests that this variant is likely to be tolerated. In summary, the available evidence is currently insufficient to determine the role of this variant in disease. Therefore, it has been classified as a Variant of Uncertain Significance.